The following is an entry in ClinVar:

NM_004301.5(ACTL6A):c.678+5G>A

Gene: ACTL6A (actin like 6A; plus strand). Cytogenetic location: 3q26.33.
Variant type: single nucleotide variant.
Coding change: c.678+5G>A on transcript NM_004301.5 (MANE Select); 5 bases into the intron after coding-DNA position 678, G replaced by A.
Molecular consequence: intron variant.
Genome position (GRCh38, 1-based): chr3:179,576,731, G>A. VCF-style: chr3-179576731-G-A. GRCh37 (hg19) VCF-style: chr3-179294519-G-A.
Other names: c.552+5G>A (NM_178042.4, NM_177989.4).
Identifiers: ClinVar variation 5010272 (VCV005010272.1).

ClinVar aggregate classification (germline): Uncertain significance (1 of 4 stars; one submission).

Conditions:
Intellectual disability. Also called: Intellectual functioning disability; intellectual disabilities; Intellectual developmental disorder. Identifiers: MedGen C3714756, MeSH D008607, MONDO:0001071, HP:0001249.
Epilepsy. Also called: Seizure disorder. Identifiers: MedGen C0014544, MeSH D004827, MONDO:0005027.

gnomAD v4.1: 7 of 1,611,358 alleles (0.00043%); highest among the groups gnomAD compares: Non-Finnish European, 0.00034%; no homozygotes.

Submission:

Clinical Genetics Laboratory, Skane University Hospital Lund
Classification: Uncertain significance for Intellectual disability; Epilepsy. Last evaluated: 2026-08-19. Review status: criteria provided, single submitter. Criteria: ACMG Guidelines, 2015. Collection method: clinical testing. Allele origin: germline. Affected: yes.
Comment: ACMG criteria used: PP3, BS2